The following is an entry in ClinVar:

NM_001354604.2(MITF):c.490C>T (p.Pro164Ser)

Gene: MITF (melanocyte inducing transcription factor; plus strand). Cytogenetic location: 3p13.
Variant type: single nucleotide variant.
Coding change: c.490C>T on transcript NM_001354604.2 (MANE Select); coding-DNA position 490, C replaced by T.
Protein change: p.Pro164Ser; replaces proline 164 with serine.
Molecular consequence: missense variant. On other transcripts: intron variant (1).
Genome position (GRCh38, 1-based): chr3:69,937,957, C>T. VCF-style: chr3-69937957-C-T. GRCh37 (hg19) VCF-style: chr3-69987108-C-T.
Other names: c.169C>T, p.Pro57Ser (NM_000248.4, NM_001184968.2, NM_198158.3); c.334C>T, p.Pro112Ser (NM_001184967.2, NM_001354608.2); c.487C>T, p.Pro163Ser (NM_001354605.2, NM_001354606.2, NM_006722.3); c.439C>T, p.Pro147Ser (NM_001354607.2); c.490C>T, p.Pro164Ser (NM_198159.3); c.442C>T, p.Pro148Ser (NM_198177.3); c.93+76C>T (NM_198178.3); short protein forms P112S, P147S, P148S, P163S, P164S, P57S.
Identifiers: ClinVar variation 3340706 (VCV003340706.4).

ClinVar aggregate classification (germline): Uncertain significance. Review status: criteria provided, multiple submitters, no conflicts (2 of 4 stars). 3 submissions from 3 submitters: Uncertain significance (3). Last evaluated 2026-03-06.

Conditions:
Waardenburg syndrome type 2A (WS2A). Also called: WAARDENBURG SYNDROME WITHOUT DYSTOPIA CANTHORUM. Identifiers: Orphanet 3440, MedGen C1860339, MONDO:0008671, OMIM 193510.
Tietz syndrome (TADS). Also called: ALBINISM-DEAFNESS OF TIETZ; HYPOPIGMENTATION/DEAFNESS OF TIETZ; TIETZ ALBINISM-DEAFNESS SYNDROME. Identifiers: Orphanet 42665, MedGen C0391816, MONDO:0007077, OMIM 103500.
Melanoma, cutaneous malignant, susceptibility to, 8. Also called: MELANOMA AND RENAL CELL CARCINOMA, SUSCEPTIBILITY TO; Cutaneous malignant melanoma 8. Identifiers: Orphanet 293822, MedGen C3152204, MONDO:0013759, OMIM 614456.
Hereditary cancer-predisposing syndrome. Also called: Hereditary neoplastic syndrome; Tumor predisposition; Hereditary Cancer Syndrome; Neoplastic Syndromes, Hereditary. Identifiers: Orphanet 140162, MedGen C0027672, MeSH D009386, MONDO:0015356.

gnomAD v4.1: 1 of 1,614,176 alleles (0.000062%); highest among the groups gnomAD compares: Non-Finnish European, 0.000085%; no homozygotes.

Submissions (3):

Ambry Genetics
Classification: Uncertain significance for Hereditary cancer-predisposing syndrome. Last evaluated: 2026-03-06. Review status: criteria provided, single submitter. Criteria: Ambry Variant Classification Scheme 2023. Collection method: clinical testing. Allele origin: germline.
Comment: The p.P57S variant (also known as c.169C>T), located in coding exon 2 of the MITF gene, results from a C to T substitution at nucleotide position 169. The proline at codon 57 is replaced by serine, an amino acid with similar properties. This amino acid position is conserved. In addition, this alteration is predicted to be tolerated by in silico analysis. Based on the available evidence, the clinical significance of this variant remains unclear.

GeneDx
Classification: Uncertain significance. Last evaluated: 2025-09-30. Review status: criteria provided, single submitter. Criteria: GeneDx Variant Classification Process June 2021. Collection method: clinical testing. Allele origin: germline.
Comment: Not observed at significant frequency in large population cohorts (gnomAD); In silico analysis suggests that this missense variant does not alter protein structure/function; Has not been previously published as pathogenic or benign to our knowledge

Labcorp Genetics (formerly Invitae), Labcorp
Classification: Uncertain significance for Melanoma, cutaneous malignant, susceptibility to, 8; Waardenburg syndrome type 2A; Tietz syndrome. Last evaluated: 2025-02-19. Review status: criteria provided, single submitter. Criteria: Invitae Variant Classification Sherloc (09022015). Collection method: clinical testing. Allele origin: germline.
Comment: This sequence change replaces proline, which is neutral and non-polar, with serine, which is neutral and polar, at codon 57 of the MITF protein (p.Pro57Ser). This variant is not present in population databases (gnomAD no frequency). This variant has not been reported in the literature in individuals affected with MITF-related conditions. ClinVar contains an entry for this variant (Variation ID: 3340706). Invitae Evidence Modeling of protein sequence and biophysical properties (such as structural, functional, and spatial information, amino acid conservation, physicochemical variation, residue mobility, and thermodynamic stability) indicates that this missense variant is not expected to disrupt MITF protein function with a negative predictive value of 80%. In summary, the available evidence is currently insufficient to determine the role of this variant in disease. Therefore, it has been classified as a Variant of Uncertain Significance.